The following is an entry in ClinVar:

ClinVar aggregate classification (germline): Uncertain significance (1 of 4 stars; one submission).

Allele frequency attached by ClinVar (database versions not stated): gnomAD exomes below 0.00001; TOPMed below 0.00001; ExAC 0.00001.
gnomAD v4.1: 2 of 1,613,180 alleles (0.00012%); highest among the groups gnomAD compares: Non-Finnish European, 0.00017%; no homozygotes.

Submission:

Labcorp Genetics (formerly Invitae), Labcorp
Classification: Uncertain significance. Last evaluated: 2024-05-02. Review status: criteria provided, single submitter. Criteria: Invitae Variant Classification Sherloc (09022015). Collection method: clinical testing. Allele origin: germline.
Comment: This sequence change replaces serine, which is neutral and polar, with asparagine, which is neutral and polar, at codon 81 of the ZCCHC8 protein (p.Ser81Asn). This variant also falls at the last nucleotide of exon 2, which is part of the consensus splice site for this exon. This variant is present in population databases (rs748149428, gnomAD 0.0009%). This variant has not been reported in the literature in individuals affected with ZCCHC8-related conditions. ClinVar contains an entry for this variant (Variation ID: 1466582). Experimental studies and prediction algorithms are not available or were not evaluated, and the functional significance of this variant is currently unknown. Variants that disrupt the consensus splice site are a relatively common cause of aberrant splicing (PMID: 17576681, 9536098). In summary, the available evidence is currently insufficient to determine the role of this variant in disease. Therefore, it has been classified as a Variant of Uncertain Significance.

Literature cited by the submitters: PubMed 17576681; PubMed 9536098.

NM_017612.5(ZCCHC8):c.242G>A (p.Ser81Asn)

Gene: ZCCHC8 (zinc finger CCHC-type containing 8; minus strand). Cytogenetic location: 12q24.31.
Variant type: single nucleotide variant.
Coding change: c.242G>A on transcript NM_017612.5 (MANE Select); coding-DNA position 242, G replaced by A.
Protein change: p.Ser81Asn; replaces serine 81 with asparagine.
Molecular consequence: missense variant. On other transcripts: 5 prime UTR variant (2), intron variant (1).
Genome position (GRCh38, 1-based): chr12:122,498,827, C>T on the plus strand (G>A on the coding strand, the complement: ZCCHC8 is on the minus strand). VCF-style: chr12-122498827-C-T. GRCh37 (hg19) VCF-style: chr12-122983374-C-T.
Other names: c.242G>A, p.Ser81Asn (NM_001350935.2); c.-303G>A (NM_001350937.2); c.-197G>A (NM_001350938.2); c.-56+1146G>A (NM_001350936.2); short protein forms S81N.
Identifiers: ClinVar variation 1466582 (VCV001466582.5), dbSNP rs748149428, ClinGen allele CA6846499.